The following is an entry in ClinVar:

NM_001127178.3(PIGG):c.2207C>T (p.Ala736Val)

Gene: PIGG (phosphatidylinositol glycan anchor biosynthesis class G (EMM blood group); plus strand). Cytogenetic location: 4p16.3.
Variant type: single nucleotide variant.
Coding change: c.2207C>T on transcript NM_001127178.3 (MANE Select); coding-DNA position 2207, C replaced by T.
Protein change: p.Ala736Val; replaces alanine 736 with valine.
Molecular consequence: missense variant. On other transcripts: non-coding transcript variant (10).
Genome position (GRCh38, 1-based): chr4:527,176, C>T. VCF-style: chr4-527176-C-T. GRCh37 (hg19) VCF-style: chr4-520965-C-T.
Other names: c.1940C>T, p.Ala647Val (NM_001289051.2, NM_001345986.2); c.1808C>T, p.Ala603Val (NM_001289052.2); c.1916C>T, p.Ala639Val (NM_001345987.2); c.1178C>T, p.Ala393Val (NM_001345988.2); c.674C>T, p.Ala225Val (NM_001345990.2, NM_001345991.2); c.1109C>T, p.Ala370Val (NM_001345994.2); c.2183C>T, p.Ala728Val (NM_017733.5); short protein forms A736V, A393V, A603V, A728V, A639V, A370V, A225V, A647V.
Identifiers: ClinVar variation 476335 (VCV000476335.9), dbSNP rs745563663, ClinGen allele CA2793568.

ClinVar aggregate classification (germline): Uncertain significance. Review status: criteria provided, multiple submitters, no conflicts (2 of 4 stars). 3 submissions from 3 submitters: Uncertain significance (3). Last evaluated 2022-07-07.

Conditions:
Intellectual disability, autosomal recessive 53 (NEDHSCA). Also called: GLYCOSYLPHOSPHATIDYLINOSITOL BIOSYNTHESIS DEFECT 13; Mental retardation, autosomal recessive 53; NEURODEVELOPMENTAL DISORDER WITH OR WITHOUT HYPOTONIA, SEIZURES, AND CEREBELLAR ATROPHY. Identifiers: Orphanet 488635, MedGen C4310794, MONDO:0014832, OMIM 616917.

Allele frequency attached by ClinVar (database versions not stated): ExAC 0.00001; gnomAD 0.00001; TOPMed 0.00005.
gnomAD v4.1: 45 of 1,613,064 alleles (0.0028%); highest among the groups gnomAD compares: Middle Eastern, 0.084%; no homozygotes.

Submissions (3):

Labcorp Genetics (formerly Invitae), Labcorp
Classification: Uncertain significance for Intellectual disability, autosomal recessive 53. Last evaluated: 2022-07-07. Review status: criteria provided, single submitter. Criteria: Invitae Variant Classification Sherloc (09022015). Collection method: clinical testing. Allele origin: germline.
Comment: This sequence change replaces alanine, which is neutral and non-polar, with valine, which is neutral and non-polar, at codon 736 of the PIGG protein (p.Ala736Val). This variant is present in population databases (rs745563663, gnomAD 0.009%). This variant has not been reported in the literature in individuals affected with PIGG-related conditions. ClinVar contains an entry for this variant (Variation ID: 476335). Algorithms developed to predict the effect of missense changes on protein structure and function output the following: SIFT: "Deleterious"; PolyPhen-2: "Benign"; Align-GVGD: "Class C0". The valine amino acid residue is found in multiple mammalian species, which suggests that this missense change does not adversely affect protein function. In summary, the available evidence is currently insufficient to determine the role of this variant in disease. Therefore, it has been classified as a Variant of Uncertain Significance.

Baylor Genetics
Classification: Uncertain significance for Intellectual disability, autosomal recessive 53. Last evaluated: 2018-06-28. Review status: criteria provided, single submitter. Criteria: ACMG Guidelines, 2015. Collection method: clinical testing. Allele origin: paternal. Affected: yes.
Comment: This variant was determined to be of uncertain significance according to ACMG Guidelines, 2015 [PMID:25741868].

Breakthrough Genomics
Classification: Uncertain significance. Review status: criteria provided, single submitter. Criteria: ACMG Guidelines, 2015. Collection method: not provided. Allele origin: germline. Inheritance: Autosomal recessive inheritance. Affected: yes.